The following is an entry in ClinVar:

NM_181882.3(PRX):c.500G>C (p.Arg167Pro)

Gene: PRX (periaxin; minus strand). Cytogenetic location: 19q13.2.
Variant type: single nucleotide variant.
Coding change: c.500G>C on transcript NM_181882.3 (MANE Select); coding-DNA position 500, G replaced by C.
Protein change: p.Arg167Pro; replaces arginine 167 with proline.
Molecular consequence: missense variant. On other transcripts: 3 prime UTR variant (1).
Genome position (GRCh38, 1-based): chr19:40,397,852, C>G on the plus strand (G>C on the coding strand, the complement: PRX is on the minus strand). VCF-style: chr19-40397852-C-G. GRCh37 (hg19) VCF-style: chr19-40903759-C-G.
Other names: p.Arg167Pro; c.*705G>C (NM_020956.2); short protein forms R167P.
Identifiers: ClinVar variation 329286 (VCV000329286.19), dbSNP rs757322355, ClinGen allele CA9444441.

ClinVar aggregate classification (germline): Uncertain significance. Review status: criteria provided, multiple submitters, no conflicts (2 of 4 stars). 9 submissions from 9 submitters: Uncertain significance (9). Last evaluated 2026-09-08.

Conditions:
Inborn genetic diseases. Identifiers: MedGen C0950123, MeSH D030342.
Charcot-Marie-Tooth disease. Also called: Charcot-Marie-Tooth Neuropathy; Charcot-Marie-Tooth Hereditary Neuropathy. Identifiers: Orphanet 166, MedGen C0007959, MONDO:0015626.
Charcot-Marie-Tooth disease type 4. Also called: Charcot-Marie-Tooth disease, type IV; Charcot-Marie-Tooth, Type 4. Identifiers: Orphanet 64749, MedGen C4082197, MONDO:0018995.
Charcot-Marie-Tooth disease type 4F. Also called: Charcot-Marie-Tooth disease, demyelinating, type 4F. Identifiers: Orphanet 99952, MedGen C3540453, MONDO:0013959, OMIM 614895.
PRX-related disorder. Also called: PRX-Related Disorders; PRX-related condition.

Allele frequency attached by ClinVar (database versions not stated): TOPMed 0.00009; gnomAD 0.00019.
gnomAD v4.1: 165 of 1,603,548 alleles (0.01%); highest among the groups gnomAD compares: Non-Finnish European, 0.014%; no homozygotes.

Submissions (9):

PreventionGenetics, part of Exact Sciences
Classification: Uncertain significance for PRX-related condition. Last evaluated: 2026-09-08. Review status: criteria provided, single submitter. Criteria: ACMG Guidelines, 2015. Collection method: clinical testing. Allele origin: germline.
Comment: The PRX c.500G>C variant is predicted to result in the amino acid substitution p.Arg167Pro. This variant was reported in an individual with Charcot-Marie-Tooth disease (Supplementary Table 2, Volodarsky et al 2021. PubMed ID: 32376792). This variant is reported in 0.010% of alleles in individuals of European (Non-Finnish) descent in gnomAD. At this time, the clinical significance of this variant is uncertain due to the absence of conclusive functional and genetic evidence.

Women's Health and Genetics/Laboratory Corporation of America, LabCorp
Classification: Uncertain significance. Last evaluated: 2026-05-05. Review status: criteria provided, single submitter. Criteria: LabCorp Variant Classification Summary - May 2015. Collection method: clinical testing. Allele origin: germline.
Comment: Variant summary: PRX c.500G>C (p.Arg167Pro) results in a non-conservative amino acid change in the encoded protein sequence. Algorithms developed to predict the effect of missense changes on protein structure and function are either unavailable or do not agree on the potential impact of this missense change. The variant allele was found at a frequency of 2.7e-05 in 225716 control chromosomes. The available data on variant occurrences in the general population are insufficient to allow any conclusion about variant significance. c.500G>C has been observed in individual(s) affected with Charcot-Marie-Tooth disease type 4F without strong evidence for causality (Volodarsky_2021). These report(s) do not provide unequivocal conclusions about association of the variant with Charcot-Marie-Tooth disease type 4F. To our knowledge, no experimental evidence demonstrating an impact on protein function has been reported. The following publication have been ascertained in the context of this evaluation (PMID: 32376792). ClinVar contains an entry for this variant (Variation ID: 329286). Based on the evidence outlined above, the variant was classified as uncertain significance.

Ambry Genetics
Classification: Uncertain significance for Inborn genetic diseases. Last evaluated: 2025-08-06. Review status: criteria provided, single submitter. Criteria: Ambry Variant Classification Scheme 2023. Collection method: clinical testing. Allele origin: germline.

Mayo Clinic Laboratories, Mayo Clinic
Classification: Uncertain significance. Last evaluated: 2025-01-31. Review status: criteria provided, single submitter. Criteria: ACMG Guidelines, 2015. Collection method: clinical testing. Allele origin: germline. Observed: 1 variant allele.
Comment: BP4_moderate

Labcorp Genetics (formerly Invitae), Labcorp
Classification: Uncertain significance for Charcot-Marie-Tooth disease type 4. Last evaluated: 2022-08-07. Review status: criteria provided, single submitter. Criteria: Invitae Variant Classification Sherloc (09022015). Collection method: clinical testing. Allele origin: germline.
Comment: This sequence change replaces arginine, which is basic and polar, with proline, which is neutral and non-polar, at codon 167 of the PRX protein (p.Arg167Pro). This variant is present in population databases (rs757322355, gnomAD 0.01%). This missense change has been observed in individual(s) with clinical features of Charcot-Marie-Tooth disease (PMID: 32376792). ClinVar contains an entry for this variant (Variation ID: 329286). Algorithms developed to predict the effect of missense changes on protein structure and function are either unavailable or do not agree on the potential impact of this missense change (SIFT: "Tolerated"; PolyPhen-2: "Possibly Damaging"; Align-GVGD: "Class C0"). In summary, the available evidence is currently insufficient to determine the role of this variant in disease. Therefore, it has been classified as a Variant of Uncertain Significance.

GeneDx
Classification: Uncertain significance. Last evaluated: 2021-09-10. Review status: criteria provided, single submitter. Criteria: GeneDx Variant Classification Process June 2021. Collection method: clinical testing. Allele origin: germline. Affected: yes.
Comment: Reported previously as a variant of uncertain significance in a patient with a suspected diagnosis of Charcot-Marie-Tooth disease; however, clinical and segregation information were not provided (Volodarsky et al., 2021); Not observed at significant frequency in large population cohorts (Lek et al., 2016); In silico analysis supports that this missense variant does not alter protein structure/function; This variant is associated with the following publications: (PMID: 32376792)

Baylor Genetics
Classification: Uncertain significance for Charcot-Marie-Tooth disease type 4F. Last evaluated: 2019-12-03. Review status: criteria provided, single submitter. Criteria: ACMG Guidelines, 2015. Collection method: clinical testing. Allele origin: unknown. Affected: yes.
Comment: This variant was determined to be of uncertain significance according to ACMG Guidelines, 2015 [PMID:25741868].

Illumina Laboratory Services, Illumina
Classification: Uncertain significance for Charcot-Marie-Tooth disease type 4F. Last evaluated: 2018-01-13. Review status: criteria provided, single submitter. Criteria: ICSL Variant Classification Criteria 13 December 2019. Collection method: clinical testing. Allele origin: germline.

Molecular Genetics Laboratory, London Health Sciences Centre
Classification: Uncertain significance for Charcot-Marie-Tooth disease. Review status: criteria provided, single submitter. Criteria: ACMG Guidelines, 2015. Collection method: clinical testing. Allele origin: germline. Affected: yes.

Literature cited by the submitters: PubMed 32376792 (cited by 3 submitters).